The following is an entry in ClinVar:

NM_001330260.2(SCN8A):c.4958A>T (p.Asn1653Ile)

Gene: SCN8A (sodium voltage-gated channel alpha subunit 8; plus strand). Cytogenetic location: 12q13.13.
Variant type: single nucleotide variant.
Coding change: c.4958A>T on transcript NM_001330260.2 (MANE Select); coding-DNA position 4958, A replaced by T.
Protein change: p.Asn1653Ile; replaces asparagine 1653 with isoleucine.
Molecular consequence: missense variant.
Genome position (GRCh38, 1-based): chr12:51,806,444, A>T. VCF-style: chr12-51806444-A-T. GRCh37 (hg19) VCF-style: chr12-52200228-A-T.
Other names: c.4835A>T, p.Asn1612Ile (NM_001177984.3, NM_001369788.1); c.4958A>T, p.Asn1653Ile (NM_014191.4); short protein forms N1612I, N1653I.
Identifiers: ClinVar variation 3906519 (VCV003906519.1).

ClinVar aggregate classification (germline): Likely pathogenic (1 of 4 stars; one submission).

Submission:

GeneDx
Classification: Likely pathogenic. Last evaluated: 2024-12-22. Review status: criteria provided, single submitter. Criteria: GeneDx Variant Classification Process June 2021. Collection method: clinical testing. Allele origin: germline. Affected: yes.
Comment: Has not been previously published as pathogenic or benign to our knowledge; Not observed at significant frequency in large population cohorts (gnomAD); In silico analysis supports that this missense variant has a deleterious effect on protein structure/function; This substitution is predicted to be within the transmembrane segment S5 of the fourth homologous domain